The following is an entry in ClinVar:

NM_006180.6(NTRK2):c.584G>T (p.Gly195Val)

Gene: NTRK2 (neurotrophic receptor tyrosine kinase 2; plus strand). Cytogenetic location: 9q21.33.
Variant type: single nucleotide variant.
Coding change: c.584G>T on transcript NM_006180.6 (MANE Select); coding-DNA position 584, G replaced by T.
Protein change: p.Gly195Val; replaces glycine 195 with valine.
Molecular consequence: missense variant.
Genome position (GRCh38, 1-based): chr9:84,723,573, G>T. VCF-style: chr9-84723573-G-T. GRCh37 (hg19) VCF-style: chr9-87338488-G-T.
Other names: c.584G>T, p.Gly195Val (NM_001007097.3, NM_001018064.3, NM_001018065.2 and 18 more transcripts); c.116G>T, p.Gly39Val (NM_001369535.1, NM_001369536.1, NM_001369550.1 and 2 more transcripts); short protein forms G39V, G195V.
Identifiers: ClinVar variation 1519624 (VCV001519624.8), dbSNP rs764986674, ClinGen allele CA5105542.
Genomic context (GRCh38, chr9:84,723,573, plus strand): 5'-TATTTTGATACTGCATTTAACTATTTGCATATGCCTCTGTTTACTTTTCTTGTTCCATAG[G>T]TTTGCCATCTGCAAATCTGGCCGCACCTAACCTCACTGTGGAGGAAGGAAAGTCTATCAC-3'
Protein context (NP_006171.2, residues 185-205): PLANLQIPNC[Gly195Val]LPSANLAAPN

ClinVar aggregate classification (germline): Uncertain significance (1 of 4 stars; one submission).

Allele frequency attached by ClinVar (database versions not stated): ExAC 0.00001; TOPMed 0.00001.
gnomAD v4.1: 1 of 1,613,968 alleles (0.000062%); no homozygotes.

Submission:

Labcorp Genetics (formerly Invitae), Labcorp
Classification: Uncertain significance. Last evaluated: 2022-07-25. Review status: criteria provided, single submitter. Criteria: Invitae Variant Classification Sherloc (09022015). Collection method: clinical testing. Allele origin: germline.
Comment: In summary, the available evidence is currently insufficient to determine the role of this variant in disease. Therefore, it has been classified as a Variant of Uncertain Significance. Algorithms developed to predict the effect of sequence changes on RNA splicing suggest that this variant may disrupt the consensus splice site. Algorithms developed to predict the effect of missense changes on protein structure and function output the following: SIFT: "Tolerated"; PolyPhen-2: "Benign"; Align-GVGD: "Class C0". The valine amino acid residue is found in multiple mammalian species, which suggests that this missense change does not adversely affect protein function. ClinVar contains an entry for this variant (Variation ID: 1519624). This variant has not been reported in the literature in individuals affected with NTRK2-related conditions. This variant is present in population databases (rs764986674, gnomAD 0.01%). This sequence change replaces glycine, which is neutral and non-polar, with valine, which is neutral and non-polar, at codon 195 of the NTRK2 protein (p.Gly195Val).